The following is an entry in ClinVar:

ClinVar aggregate classification (germline): Pathogenic (1 of 4 stars; one submission).

Conditions:
Fanconi anemia complementation group J. Also called: BRIP1-Related Fanconi Anemia. Identifiers: Orphanet 84, MedGen C1836860, MONDO:0012187, OMIM 609054.
Familial cancer of breast. Also called: hereditary breast carcinoma; Hereditary breast cancer; BREAST CANCER, FAMILIAL. Identifiers: Orphanet 227535, MedGen C0346153, MONDO:0016419, OMIM 114480. Disease mechanism: loss of function.

Submission:

Labcorp Genetics (formerly Invitae), Labcorp
Classification: Pathogenic for Familial cancer of breast; Fanconi anemia complementation group J. Last evaluated: 2022-10-19. Review status: criteria provided, single submitter. Criteria: Invitae Variant Classification Sherloc (09022015). Collection method: clinical testing. Allele origin: germline.
Comment: This variant is a gross deletion of the genomic region encompassing exon(s) 5-6 of the BRIP1 gene. This deletion is out-of-frame, and is expected to create a premature termination codon and result in an absent or disrupted protein product. Loss-of-function variants in BRIP1 are known to be pathogenic (PMID: 16116423, 17033622, 21964575). This variant has not been reported in the literature in individuals affected with BRIP1-related conditions. For these reasons, this variant has been classified as Pathogenic.

Literature cited by the submitters: PubMed 16116423; PubMed 17033622; PubMed 21964575.

NC_000017.11:g.(?_61847091)_(61849266_?)del

Gene: BRIP1 (BRCA1 interacting DNA helicase 1; minus strand). Cytogenetic location: 17q23.2.
Variant type: Deletion.
Identifiers: ClinVar variation 654661 (VCV000654661.4).